The following is an entry in ClinVar:

ClinVar aggregate classification (germline): Uncertain significance. Review status: criteria provided, multiple submitters, no conflicts (2 of 4 stars). 3 submissions from 3 submitters: Uncertain significance (2). 1 of the submissions does not count toward it. Last evaluated 2024-10-21.

Conditions:
XPO5-related disorder. Also called: XPO5-related condition.

Allele frequency attached by ClinVar (database versions not stated): gnomAD 0.00022 and 0.00021; 1000 Genomes Project 0.00040; ESP Exome Variant Server 0.00016; TOPMed 0.00019; 1000 Genomes Project 30x 0.00031; ExAC 0.00049.
gnomAD v4.1: 368 of 1,613,898 alleles (0.023%); highest among the groups gnomAD compares: Non-Finnish European, 0.026%; 1 homozygote.

Submissions (3):

Labcorp Genetics (formerly Invitae), Labcorp
Classification: Uncertain significance. Last evaluated: 2024-10-21. Review status: criteria provided, single submitter. Criteria: Invitae Variant Classification Sherloc (09022015). Collection method: clinical testing. Allele origin: germline.
Comment: This sequence change replaces alanine, which is neutral and non-polar, with valine, which is neutral and non-polar, at codon 697 of the XPO5 protein (p.Ala697Val). This variant is present in population databases (rs202182348, gnomAD 0.1%), and has an allele count higher than expected for a pathogenic variant. This variant has not been reported in the literature in individuals affected with XPO5-related conditions. ClinVar contains an entry for this variant (Variation ID: 1423330). An algorithm developed to predict the effect of missense changes on protein structure and function (PolyPhen-2) suggests that this variant is likely to be tolerated. In summary, the available evidence is currently insufficient to determine the role of this variant in disease. Therefore, it has been classified as a Variant of Uncertain Significance.

Ambry Genetics
Classification: Uncertain significance. Last evaluated: 2024-05-06. Review status: criteria provided, single submitter. Criteria: Ambry Variant Classification Scheme 2023. Collection method: clinical testing. Allele origin: germline.

PreventionGenetics, part of Exact Sciences
Classification: Uncertain significance for XPO5-related condition. Last evaluated: 2023-12-29. Review status: no assertion criteria provided. Collection method: clinical testing. Allele origin: germline. Not counted in ClinVar's aggregate classification.
Comment: The XPO5 c.2090C>T variant is predicted to result in the amino acid substitution p.Ala697Val. To our knowledge, this variant has not been reported in the literature. This variant is reported in 0.14% of alleles in individuals of Ashkenazi Jewish descent in gnomAD. At this time, the clinical significance of this variant is uncertain due to the absence of conclusive functional and genetic evidence.

NM_020750.3(XPO5):c.2090C>T (p.Ala697Val)

Genes: POLR1C (RNA polymerase I and III subunit C; plus strand), XPO5 (exportin 5; minus strand), LOC126859677 (BRD4-independent group 4 enhancer GRCh37_chr6:43514706-43515905; plus strand). Cytogenetic location: 6p21.1.
Variant type: single nucleotide variant.
Coding change: c.2090C>T on transcript NM_020750.3 (MANE Select); coding-DNA position 2090, C replaced by T.
Protein change: p.Ala697Val; replaces alanine 697 with valine.
Molecular consequence: missense variant. On other transcripts: non-coding transcript variant (1), intron variant (1).
Genome position (GRCh38, 1-based): chr6:43,547,678, G>A on the plus strand (C>T on the coding strand, the complement: XPO5 is on the minus strand). VCF-style: chr6-43547678-G-A. GRCh37 (hg19) VCF-style: chr6-43515415-G-A.
Other names: c.923-3290G>A (NM_001363658.2); short protein forms A697V.
Identifiers: ClinVar variation 1423330 (VCV001423330.9), dbSNP rs202182348, ClinGen allele CA3826243.